The following is an entry in ClinVar:

ClinVar aggregate classification (germline): Uncertain significance (1 of 4 stars; one submission).

Conditions:
Epidermolysis bullosa simplex 5C, with pyloric atresia (EBS5C). Also called: PLEC-Related Epidermolysis Bullosa with Pyloric Atresia; Epidermolysis bullosa simplex with pyloric atresia; PLEC1-Related Epidermolysis Bullosa with Pyloric Atresia. Identifiers: Orphanet 158684, MedGen C2677349, MONDO:0012807, OMIM 612138.
Epidermolysis bullosa simplex with nail dystrophy (EBS5D). Identifiers: MedGen C4225309, MONDO:0014661, OMIM 616487.
Epidermolysis bullosa simplex 5B, with muscular dystrophy (EBS5B). Also called: Epidermolysis bullosa simplex with muscular dystrophy; EPIDERMOLYSIS BULLOSA SIMPLEX AND LIMB-GIRDLE MUSCULAR DYSTROPHY. Identifiers: Orphanet 257, MedGen C2931072, MONDO:0009181, OMIM 226670.
Autosomal recessive limb-girdle muscular dystrophy type 2Q (LGMDR17). Also called: MUSCULAR DYSTROPHY, LIMB-GIRDLE, AUTOSOMAL RECESSIVE 17. Identifiers: Orphanet 254361, MedGen C3150989, MONDO:0013390, OMIM 613723.
Epidermolysis bullosa simplex, Ogna type (EBS5A). Also called: Pidermolysis bullosa simplex 5A, Ogna type; EPIDERMOLYSIS BULLOSA SIMPLEX 5A, OGNA TYPE. Identifiers: Orphanet 79401, MedGen C0432317, MONDO:0007555, OMIM 131950.

Submission:

Labcorp Genetics (formerly Invitae), Labcorp
Classification: Uncertain significance for Autosomal recessive limb-girdle muscular dystrophy type 2Q; Epidermolysis bullosa simplex, Ogna type; Epidermolysis bullosa simplex with nail dystrophy; Epidermolysis bullosa simplex 5C, with pyloric atresia; Epidermolysis bullosa simplex 5B, with muscular dystrophy. Last evaluated: 2024-09-09. Review status: criteria provided, single submitter. Criteria: Invitae Variant Classification Sherloc (09022015). Collection method: clinical testing. Allele origin: germline.
Comment: This variant, c.2044_2046del, results in the deletion of 1 amino acid(s) of the PLEC protein (p.Lys682del), but otherwise preserves the integrity of the reading frame. This variant is not present in population databases (gnomAD no frequency). This variant has not been reported in the literature in individuals affected with PLEC-related conditions. ClinVar contains an entry for this variant (Variation ID: 573992). Experimental studies and prediction algorithms are not available or were not evaluated, and the functional significance of this variant is currently unknown. In summary, the available evidence is currently insufficient to determine the role of this variant in disease. Therefore, it has been classified as a Variant of Uncertain Significance.

NM_201384.3(PLEC):c.1960AAG[1] (p.Lys655del)

Gene: PLEC (plectin; minus strand). Cytogenetic location: 8q24.3.
Variant type: Microsatellite.
Coding change: c.1960AAG[1] on transcript NM_201384.3 (MANE Select); one copy of the 3-base unit AAG starting at c.1960; the reference has two copies in a row; one copy, 3 bases deleted.
Protein change: p.Lys655del; deletes lysine 655.
Molecular consequence: inframe deletion.
Genome position (GRCh38, 1-based): chr8:143,932,412-143,932,414, CTT deleted on the plus strand (AAG on the coding strand, the reverse complement: PLEC is on the minus strand); deleting any 3 consecutive bases within chr8:143,932,412-143,932,417 gives the same sequence; the position shown is the placement nearest the transcript's 3' end. VCF-style (leftmost placement, unchanged base first): chr8-143932411-CCTT-C. GRCh37 (hg19) VCF-style: chr8-145006579-CCTT-C.
Other names: c.2041AAG[1], p.Lys682del (NM_000445.5); c.1918AAG[1], p.Lys641del (NM_201378.4); c.1894AAG[1], p.Lys633del (NM_201379.3); c.2371AAG[1], p.Lys792del (NM_201380.4); c.1864AAG[1], p.Lys623del (NM_201381.3); c.1960AAG[1], p.Lys655del (NM_201382.4); c.1972AAG[1], p.Lys659del (NM_201383.3); short protein forms K633del, K655del, K659del, K641del, K792del, K623del, K682del.
Identifiers: ClinVar variation 573992 (VCV000573992.6), dbSNP rs1564125700, ClinGen allele CA891843377.
Genomic context (GRCh38, chr8:143,932,411, plus strand): 5'-CAGCTGGGGAGGGGGCTGTGGGGTTCAGGGCAGCTGGGCCACCGCTCACCGAGTAGCTCT[CCTT>C]CTTGGCGGTCATGTTGGTGTTGCGGTCGCTCCAGTCGAAGCCCACCTCCTCCTCCTCCTT-3'